The following is an entry in ClinVar:

ClinVar aggregate classification (germline): Uncertain significance (1 of 4 stars; one submission).

Submission:

GeneDx
Classification: Uncertain significance. Last evaluated: 2022-06-09. Review status: criteria provided, single submitter. Criteria: GeneDx Variant Classification Process June 2021. Collection method: clinical testing. Allele origin: germline. Affected: yes.
Comment: Not observed at significant frequency in large population cohorts (gnomAD); In silico analysis supports that this missense variant has a deleterious effect on protein structure/function; Has not been previously published as pathogenic or benign to our knowledge

NM_017617.5(NOTCH1):c.5372C>G (p.Ser1791Cys)

Gene: NOTCH1 (notch receptor 1; minus strand). Cytogenetic location: 9q34.3.
Variant type: single nucleotide variant.
Coding change: c.5372C>G on transcript NM_017617.5 (MANE Select); coding-DNA position 5372, C replaced by G.
Protein change: p.Ser1791Cys; replaces serine 1791 with cysteine.
Molecular consequence: missense variant.
Genome position (GRCh38, 1-based): chr9:136,502,284, G>C on the plus strand (C>G on the coding strand, the complement: NOTCH1 is on the minus strand). VCF-style: chr9-136502284-G-C. GRCh37 (hg19) VCF-style: chr9-139396736-G-C.
Other names: short protein forms S1791C.
Identifiers: ClinVar variation 1803687 (VCV001803687.1), dbSNP rs2133330852, ClinGen allele CA375640347.